The following is an entry in ClinVar:

ClinVar aggregate classification (germline): Uncertain significance (1 of 4 stars; one submission).

Submission:

Labcorp Genetics (formerly Invitae), Labcorp
Classification: Uncertain significance. Last evaluated: 2024-01-28. Review status: criteria provided, single submitter. Criteria: Invitae Variant Classification Sherloc (09022015). Collection method: clinical testing. Allele origin: germline.
Comment: This sequence change replaces arginine, which is basic and polar, with leucine, which is neutral and non-polar, at codon 246 of the ALPK3 protein (p.Arg246Leu). This variant is not present in population databases (gnomAD no frequency). This variant has not been reported in the literature in individuals affected with ALPK3-related conditions. An algorithm developed to predict the effect of missense changes on protein structure and function (PolyPhen-2) suggests that this variant is likely to be disruptive. In summary, the available evidence is currently insufficient to determine the role of this variant in disease. Therefore, it has been classified as a Variant of Uncertain Significance.

NM_020778.5(ALPK3):c.131G>T (p.Arg44Leu)

Gene: ALPK3 (alpha kinase 3; plus strand). Cytogenetic location: 15q25.3.
Variant type: single nucleotide variant.
Coding change: c.131G>T on transcript NM_020778.5 (MANE Select); coding-DNA position 131, G replaced by T.
Protein change: p.Arg44Leu; replaces arginine 44 with leucine.
Molecular consequence: missense variant.
Genome position (GRCh38, 1-based): chr15:84,817,583, G>T. VCF-style: chr15-84817583-G-T. GRCh37 (hg19) VCF-style: chr15-85360814-G-T.
Other names: short protein forms R44L.
Identifiers: ClinVar variation 2994857 (VCV002994857.3), dbSNP rs1963375355, ClinGen allele CA393369591.